The following is an entry in ClinVar:

ClinVar aggregate classification (germline): Pathogenic (1 of 4 stars; one submission).

Submission:

Labcorp Genetics (formerly Invitae), Labcorp
Classification: Pathogenic. Last evaluated: 2021-12-18. Review status: criteria provided, single submitter. Criteria: Invitae Variant Classification Sherloc (09022015). Collection method: clinical testing. Allele origin: germline.
Comment: This variant has not been reported in the literature in individuals affected with RP2-related conditions. This variant is not present in population databases (gnomAD no frequency). This sequence change creates a premature translational stop signal (p.Lys10Serfs*32) in the RP2 gene. It is expected to result in an absent or disrupted protein product. Loss-of-function variants in RP2 are known to be pathogenic (PMID: 11992260, 20625056). For these reasons, this variant has been classified as Pathogenic.

Literature cited by the submitters: PubMed 11992260; PubMed 20625056.

NM_006915.3(RP2):c.29_41del (p.Lys10fs)

Genes: RP2 (RP2 activator of ARL3 GTPase; plus strand), LOC130068202 (ATAC-STARR-seq lymphoblastoid active region 29577; plus strand). Cytogenetic location: Xp11.3.
Variant type: Deletion.
Coding change: c.29_41del on transcript NM_006915.3 (MANE Select); coding-DNA positions 29 to 41, 13 bases deleted (AGGCTGACAAGGA).
Protein change: p.Lys10fs; shifts the reading frame from lysine 10.
Molecular consequence: frameshift variant.
Genome position (GRCh38, 1-based): chrX:46,837,129-46,837,141, AGGCTGACAAGGA deleted; deleting any 13 consecutive bases within chrX:46,837,126-46,837,141 gives the same sequence; the c. name uses the placement nearest the transcript's 3' end. VCF-style (leftmost placement, unchanged base first): chrX-46837125-CGGAAGGCTGACAA-C. GRCh37 (hg19) VCF-style: chrX-46696560-CGGAAGGCTGACAA-C.
Other names: short protein forms K10fs.
Identifiers: ClinVar variation 2047326 (VCV002047326.4), dbSNP rs2519902021, ClinGen allele CA2580100995.
Genomic context (GRCh38, chrX:46,837,125, plus strand): 5'-TAGTGAGCTGGCCAACGAGCTCCGCGGGCTGGGACCATGGGCTGCTTCTTCTCCAAGAGA[CGGAAGGCTGACAA>C]GGAGTCGCGGCCCGAGAACGAGGAGGAGCGGCCAAAGCAGTACAGCTGGGATCAGCGCGA-3'